The following is an entry in ClinVar:

NM_017636.4(TRPM4):c.1603G>A (p.Glu535Lys)

Gene: TRPM4 (transient receptor potential cation channel subfamily M member 4; plus strand). Cytogenetic location: 19q13.33.
Variant type: single nucleotide variant.
Coding change: c.1603G>A on transcript NM_017636.4 (MANE Select); coding-DNA position 1603, G replaced by A.
Protein change: p.Glu535Lys; replaces glutamic acid 535 with lysine.
Molecular consequence: missense variant. On other transcripts: intron variant (1).
Genome position (GRCh38, 1-based): chr19:49,182,917, G>A. VCF-style: chr19-49182917-G-A. GRCh37 (hg19) VCF-style: chr19-49686174-G-A.
Other names: c.1603G>A, p.Glu535Lys (NM_001195227.2); c.1258G>A, p.Glu420Lys (NM_001321281.2); c.1081G>A, p.Glu361Lys (NM_001321283.2); c.541G>A, p.Glu181Lys (NM_001321285.2); c.-1+50G>A (NM_001321282.2); short protein forms E535K, E181K, E420K, E361K.
Identifiers: ClinVar variation 427975 (VCV000427975.13), dbSNP rs748187859, ClinGen allele CA9569232.

ClinVar aggregate classification (germline): Uncertain significance. Review status: criteria provided, multiple submitters, no conflicts (2 of 4 stars). 4 submissions from 4 submitters: Uncertain significance (4). Last evaluated 2026-02-01.

Conditions:
Progressive familial heart block type IB (PFHB1B). Identifiers: Orphanet 871, MedGen C1970298, MONDO:0011474, OMIM 604559.
Cardiovascular phenotype. Identifiers: MedGen CN230736.
Hypertrophic cardiomyopathy. Also called: HYPERTROPHIC MYOCARDIOPATHY. Identifiers: Orphanet 217569, MedGen C0007194, MeSH D002312, MONDO:0005045, HP:0001639.

Allele frequency attached by ClinVar (database versions not stated): TOPMed 0.00002; gnomAD 0.00003 and 0.00004.
gnomAD v4.1: 23 of 1,592,116 alleles (0.0014%); highest among the groups gnomAD compares: African/African-American, 0.0067%; no homozygotes.

Submissions (4):

Labcorp Genetics (formerly Invitae), Labcorp
Classification: Uncertain significance for Progressive familial heart block type IB. Last evaluated: 2026-02-01. Review status: criteria provided, single submitter. Criteria: Invitae Variant Classification Sherloc (09022015). Collection method: clinical testing. Allele origin: germline.
Comment: This sequence change replaces glutamic acid, which is acidic and polar, with lysine, which is basic and polar, at codon 535 of the TRPM4 protein (p.Glu535Lys). This variant is present in population databases (rs748187859, gnomAD 0.009%). This variant has not been reported in the literature in individuals affected with TRPM4-related conditions. ClinVar contains an entry for this variant (Variation ID: 427975). An algorithm developed to predict the effect of missense changes on protein structure and function (PolyPhen-2) suggests that this variant is likely to be tolerated. In summary, the available evidence is currently insufficient to determine the role of this variant in disease. Therefore, it has been classified as a Variant of Uncertain Significance.

Ambry Genetics
Classification: Uncertain significance for Cardiovascular phenotype. Last evaluated: 2024-04-21. Review status: criteria provided, single submitter. Criteria: Ambry Variant Classification Scheme 2023. Collection method: clinical testing. Allele origin: germline.
Comment: The p.E535K variant (also known as c.1603G>A), located in coding exon 11 of the TRPM4 gene, results from a G to A substitution at nucleotide position 1603. The glutamic acid at codon 535 is replaced by lysine, an amino acid with similar properties. This amino acid position is well conserved in available vertebrate species. In addition, this alteration is predicted to be tolerated by in silico analysis. Since supporting evidence is limited at this time, the clinical significance of this alteration remains unclear.

GeneDx
Classification: Uncertain significance. Last evaluated: 2023-07-06. Review status: criteria provided, single submitter. Criteria: GeneDx Variant Classification Process June 2021. Collection method: clinical testing. Allele origin: germline. Affected: yes.
Comment: Not observed at significant frequency in large population cohorts (gnomAD); In silico analysis supports that this missense variant does not alter protein structure/function; Has not been previously published as pathogenic or benign to our knowledge

Center for Human Genetics, University of Leuven
Classification: Uncertain significance for Hypertrophic cardiomyopathy. Last evaluated: 2017-04-30. Review status: criteria provided, single submitter. Criteria: ACMG Guidelines, 2015. Collection method: clinical testing. Allele origin: germline. Inheritance: Autosomal dominant inheritance. Affected: yes.